The following is an entry in ClinVar:

NM_001378454.1(ALMS1):c.10078+1_10078+5delinsAAAAACCCTTGCAGAATGAAAA

Gene: ALMS1 (ALMS1 centrosome and basal body associated protein; plus strand). Cytogenetic location: 2p13.1.
Variant type: Indel.
Coding change: c.10078+1_10078+5delinsAAAAACCCTTGCAGAATGAAAA on transcript NM_001378454.1 (MANE Select); the canonical splice donor site of the intron after coding-DNA position 10078 through 5 bases into the intron after coding-DNA position 10078, GTAAC replaced by AAAAACCCTTGCAGAATGAAAA.
Molecular consequence: splice donor variant.
Genome position (GRCh38, 1-based): chr2:73,550,438-73,550,442, GTAAC replaced by AAAAACCCTTGCAGAATGAAAA. VCF-style: chr2-73550438-GTAAC-AAAAACCCTTGCAGAATGAAAA. GRCh37 (hg19) VCF-style: chr2-73777565-GTAAC-AAAAACCCTTGCAGAATGAAAA.
Other names: c.10081+1_10081+5delGTAACinsAAAAACCCTTGCAGAATGAAAA (NM_015120.4); c.10078+1_10078+5delinsAAAAACCCTTGCAGAATGAAAA (NM_015120.4).
Identifiers: ClinVar variation 3226568 (VCV003226568.3), dbSNP rs2466386012, ClinGen allele CA2825001159.

ClinVar aggregate classification (germline): Conflicting classifications of pathogenicity. Review status: criteria provided, conflicting classifications (1 of 4 stars). 2 submissions from 2 submitters: Likely pathogenic (1); Uncertain significance (1). Last evaluated 2024-08-19.

Conditions:
Alstrom syndrome (ALMS). Identifiers: Orphanet 64, MedGen C0268425, MONDO:0008763, OMIM 203800.
Cardiovascular phenotype. Identifiers: MedGen CN230736.

Submissions (2):

Labcorp Genetics (formerly Invitae), Labcorp
Classification: Likely pathogenic for Alstrom syndrome. Last evaluated: 2024-08-19. Review status: criteria provided, single submitter. Criteria: Invitae Variant Classification Sherloc (09022015). Collection method: clinical testing. Allele origin: germline.
Comment: This sequence change affects a splice site in intron 13 of the ALMS1 gene. It is expected to disrupt RNA splicing. Variants that disrupt the donor or acceptor splice site typically lead to a loss of protein function (PMID: 16199547), and loss-of-function variants in ALMS1 are known to be pathogenic (PMID: 17594715). This variant is not present in population databases (gnomAD no frequency). This variant has not been reported in the literature in individuals affected with ALMS1-related conditions. In summary, the currently available evidence indicates that the variant is pathogenic, but additional data are needed to prove that conclusively. Therefore, this variant has been classified as Likely Pathogenic.

Ambry Genetics
Classification: Uncertain significance for Cardiovascular phenotype. Last evaluated: 2023-12-28. Review status: criteria provided, single submitter. Criteria: Ambry Variant Classification Scheme 2023. Collection method: clinical testing. Allele origin: germline.
Comment: The c.10081+1_10081+5delGTAACins22 intronic variant results from a deletion of 5 nucleotides and insertion of 22 nucleotides at positions c.10081+1 to c.10081+5 and involves the canonical splice donor site after coding exon 13 of the ALMS1 gene. The canonical splice donor site is highly conserved in available vertebrate species. In silico splice site analysis predicts that this alteration will weaken the native splice donor site. The resulting transcript is predicted to be in-frame and is not expected to trigger nonsense-mediated mRNA decay; however, direct evidence is unavailable. The exact functional effect of the altered amino acid sequence is unknown. Since supporting evidence is limited at this time, the clinical significance of this alteration remains unclear.

Literature cited by the submitters: PubMed 16199547 (cited by Labcorp Genetics (formerly Invitae), Labcorp); PubMed 17594715 (cited by Labcorp Genetics (formerly Invitae), Labcorp).